The following is an entry in ClinVar:

NC_000017.11:g.44879557_44881723del

Gene: EFTUD2 (elongation factor Tu GTP binding domain containing 2; minus strand). Cytogenetic location: 17q21.31.
Variant type: Deletion.
Genome position: GRCh38: chr17:44,879,557-44,881,723. GRCh37 (hg19): chr17:42,956,925-42,959,091.
Other names: NG_032674.1(NM_004247.4:)c.(492+1_493-1)_(702+1_703-1)del; NM_004247.4:r.493_702del; NP_004238.3:p.Leu165_Gly234del.
Identifiers: ClinVar variation 5021130 (VCV005021130.1).

ClinVar aggregate classification (germline): Likely pathogenic (1 of 4 stars; one submission).

Conditions:
Mandibulofacial dysostosis-microcephaly syndrome (MFDGA). Also called: Growth and mental retardation, mandibulofacial dysostosis, microcephaly, and cleft palate; Mandibulofacial dysostosis, Guion-Almeida type. Identifiers: Orphanet 79113, MedGen C1864652, MONDO:0012516, OMIM 610536.

Submission:

Laboratorio de Biologia Molecular - Genetica, Hospital de Pediatria Garrahan
Classification: Likely pathogenic for Mandibulofacial dysostosis-microcephaly syndrome. Last evaluated: 2026-10-06. Review status: criteria provided, single submitter. Criteria: ACMG Guidelines, 2015. Collection method: clinical testing. Allele origin: de novo. Inheritance: Autosomal dominant inheritance. Affected: yes. Observed: 1 variant allele, 1 heterozygote.
Comment: Analysis of RNA extracted from a muscle biopsy by RT-PCR and Sanger sequencing identified both the wild-type transcript and an abnormal transcript lacking exons 7–9. The exon 7–9 deletion results in an in-frame loss of 210 bp affecting the GTP-binding domain of EFTUD2. This variant was classified as likely pathogenic according to the ACMG/AMP guidelines (PVS1_Strong, PM6, PM2).